The following is an entry in ClinVar:

NM_144670.6(A2ML1):c.2373del (p.Phe791fs)

Gene: A2ML1 (alpha-2-macroglobulin like 1; plus strand). Cytogenetic location: 12p13.31.
Variant type: Deletion.
Coding change: c.2373del on transcript NM_144670.6 (MANE Select); coding-DNA position 2373, one base deleted (T; older notation c.2373delT).
Protein change: p.Phe791fs; shifts the reading frame from phenylalanine 791.
Molecular consequence: frameshift variant.
Genome position (GRCh38, 1-based): chr12:8,851,922, T deleted; the last of 3 consecutive T bases (chr12:8,851,920-8,851,922); deleting any one gives the same sequence. VCF-style (leftmost placement, unchanged base first): chr12-8851919-CT-C. GRCh37 (hg19) VCF-style: chr12-9004515-CT-C.
Other names: c.900del, p.Phe300fs (NM_001282424.3); short protein forms F300fs, F791fs.
Identifiers: ClinVar variation 2765424 (VCV002765424.3), dbSNP rs1943905760, ClinGen allele CA478530953.
Genomic context (GRCh38, chr12:8,851,919, plus strand): 5'-TTCCCAGTCAAGAGGCTTCGGGCTTTCACCCACTGTTGGACTAACTGCTTTCAAGCCGTT[CT>C]TTGTTGACCTGACTCTCCCTTACTCAGTAGTCCGTGGGGAATCCTTTCGTCTTACTGCCA-3'

ClinVar aggregate classification (germline): Uncertain significance (1 of 4 stars; one submission).

Submission:

Labcorp Genetics (formerly Invitae), Labcorp
Classification: Uncertain significance. Last evaluated: 2024-10-22. Review status: criteria provided, single submitter. Criteria: Invitae Variant Classification Sherloc (09022015). Collection method: clinical testing. Allele origin: germline.
Comment: This sequence change creates a premature translational stop signal (p.Phe791Leufs*4) in the A2ML1 gene. It is expected to result in an absent or disrupted protein product. However, the current clinical and genetic evidence is not sufficient to establish whether loss-of-function variants in A2ML1 cause disease. This variant is not present in population databases (gnomAD no frequency). This variant has not been reported in the literature in individuals affected with A2ML1-related conditions. In summary, the available evidence is currently insufficient to determine the role of this variant in disease. Therefore, it has been classified as a Variant of Uncertain Significance.